The following is an entry in ClinVar:

NM_005732.4(RAD50):c.190A>C (p.Asn64His)

Gene: RAD50 (RAD50 double strand break repair protein; plus strand). Cytogenetic location: 5q31.1.
Variant type: single nucleotide variant.
Coding change: c.190A>C on transcript NM_005732.4 (MANE Select); coding-DNA position 190, A replaced by C.
Protein change: p.Asn64His; replaces asparagine 64 with histidine.
Molecular consequence: missense variant.
Genome position (GRCh38, 1-based): chr5:132,559,344, A>C. VCF-style: chr5-132559344-A-C. GRCh37 (hg19) VCF-style: chr5-131895036-A-C.
Other names: short protein forms N64H.
Identifiers: ClinVar variation 573442 (VCV000573442.9), dbSNP rs773773224, ClinGen allele CA3404919.

ClinVar aggregate classification (germline): Uncertain significance. Review status: criteria provided, multiple submitters, no conflicts (2 of 4 stars). 2 submissions from 2 submitters: Uncertain significance (2). Last evaluated 2024-04-08.

Conditions:
Hereditary cancer-predisposing syndrome. Also called: Neoplastic Syndromes, Hereditary; Hereditary Cancer Syndrome; Tumor predisposition; Hereditary neoplastic syndrome. Identifiers: Orphanet 140162, MedGen C0027672, MeSH D009386, MONDO:0015356.

Allele frequency attached by ClinVar (database versions not stated): gnomAD exomes below 0.00001; ExAC 0.00001; gnomAD 0.00001; TOPMed 0.00001.
gnomAD v4.1: 1 of 1,608,880 alleles (0.000062%); highest among the groups gnomAD compares: African/African-American, 0.0013%; no homozygotes.

Submissions (2):

Labcorp Genetics (formerly Invitae), Labcorp
Classification: Uncertain significance for Hereditary cancer-predisposing syndrome. Last evaluated: 2024-04-08. Review status: criteria provided, single submitter. Criteria: Invitae Variant Classification Sherloc (09022015). Collection method: clinical testing. Allele origin: germline.
Comment: This sequence change replaces asparagine, which is neutral and polar, with histidine, which is basic and polar, at codon 64 of the RAD50 protein (p.Asn64His). This variant is present in population databases (rs773773224, gnomAD 0.007%). This variant has not been reported in the literature in individuals affected with RAD50-related conditions. ClinVar contains an entry for this variant (Variation ID: 573442). Advanced modeling of protein sequence and biophysical properties (such as structural, functional, and spatial information, amino acid conservation, physicochemical variation, residue mobility, and thermodynamic stability) performed at Invitae indicates that this missense variant is not expected to disrupt RAD50 protein function with a negative predictive value of 80%. In summary, the available evidence is currently insufficient to determine the role of this variant in disease. Therefore, it has been classified as a Variant of Uncertain Significance.

Ambry Genetics
Classification: Uncertain significance for Hereditary cancer-predisposing syndrome. Last evaluated: 2023-10-22. Review status: criteria provided, single submitter. Criteria: Ambry Variant Classification Scheme 2023. Collection method: clinical testing. Allele origin: germline.
Comment: The p.N64H variant (also known as c.190A>C), located in coding exon 2 of the RAD50 gene, results from an A to C substitution at nucleotide position 190. The asparagine at codon 64 is replaced by histidine, an amino acid with similar properties. This amino acid position is conserved. In addition, this alteration is predicted to be tolerated by in silico analysis. Since supporting evidence is limited at this time, the clinical significance of this alteration remains unclear.